The following is an entry in ClinVar:

ClinVar aggregate classification (germline): Conflicting classifications of pathogenicity. Review status: criteria provided, conflicting classifications (1 of 4 stars). 4 submissions from 4 submitters: Uncertain significance (3); Likely benign (1). Last evaluated 2024-03-13.

Conditions:
Hereditary cancer-predisposing syndrome. Also called: Neoplastic Syndromes, Hereditary; Hereditary Cancer Syndrome; Hereditary neoplastic syndrome; Tumor predisposition. Identifiers: Orphanet 140162, MedGen C0027672, MeSH D009386, MONDO:0015356.
Hereditary breast ovarian cancer syndrome. Also called: Hereditary breast and ovarian cancer syndrome (HBOC); Hereditary breast and ovarian cancer syndrome; Breast and ovarian cancer; Hereditary breast and/or ovarian cancer syndrome; Hereditary breast and ovarian cancer; BRCA1- and BRCA2-Associated Hereditary Breast and Ovarian Cancer. Identifiers: Orphanet 145, MedGen C0677776, MeSH D061325, MONDO:0003582. Disease mechanism: loss of function.

Allele frequency attached by ClinVar (database versions not stated): gnomAD exomes below 0.00001; TOPMed below 0.00001; gnomAD 0.00001.

Submissions (4):

Labcorp Genetics (formerly Invitae), Labcorp
Classification: Uncertain significance for Hereditary breast ovarian cancer syndrome. Last evaluated: 2024-03-13. Review status: criteria provided, single submitter. Criteria: Invitae Variant Classification Sherloc (09022015). Collection method: clinical testing. Allele origin: germline.
Comment: This sequence change replaces threonine, which is neutral and polar, with isoleucine, which is neutral and non-polar, at codon 317 of the BRCA2 protein (p.Thr317Ile). This variant is present in population databases (no rsID available, gnomAD 0.0009%). This variant has not been reported in the literature in individuals affected with BRCA2-related conditions. ClinVar contains an entry for this variant (Variation ID: 462530). Advanced modeling of protein sequence and biophysical properties (such as structural, functional, and spatial information, amino acid conservation, physicochemical variation, residue mobility, and thermodynamic stability) performed at Invitae indicates that this missense variant is not expected to disrupt BRCA2 protein function with a negative predictive value of 95%. In summary, the available evidence is currently insufficient to determine the role of this variant in disease. Therefore, it has been classified as a Variant of Uncertain Significance.

University of Washington Department of Laboratory Medicine, University of Washington
Classification: Likely benign for Hereditary cancer-predisposing syndrome. Last evaluated: 2023-03-23. Review status: criteria provided, single submitter. Criteria: Dines et al. (Genet Med. 2020). Collection method: curation. Allele origin: germline.
Comment: Missense variant in a coldspot region where missense variants are very unlikely to be pathogenic (PMID:31911673).

BRCA2 exon 10 coldspot. Reclassification based on statistical prior probability.

Ambry Genetics
Classification: Uncertain significance for Hereditary cancer-predisposing syndrome. Last evaluated: 2022-11-23. Review status: criteria provided, single submitter. Criteria: Ambry Variant Classification Scheme 2023. Collection method: clinical testing. Allele origin: germline.
Comment: The p.T317I variant (also known as c.950C>T), located in coding exon 9 of the BRCA2 gene, results from a C to T substitution at nucleotide position 950. The threonine at codon 317 is replaced by isoleucine, an amino acid with similar properties. This amino acid position is not well conserved in available vertebrate species. In addition, this alteration is predicted to be tolerated by in silico analysis. Since supporting evidence is limited at this time, the clinical significance of this alteration remains unclear.

Quest Diagnostics Nichols Institute San Juan Capistrano
Classification: Uncertain significance. Last evaluated: 2017-10-19. Review status: criteria provided, single submitter. Criteria: Quest Diagnostics criteria. Collection method: clinical testing. Allele origin: germline.

NM_000059.4(BRCA2):c.950C>T (p.Thr317Ile)

Gene: BRCA2 (BRCA2 DNA repair associated; plus strand). Cytogenetic location: 13q13.1.
Variant type: single nucleotide variant.
Coding change: c.950C>T on transcript NM_000059.4 (MANE Select); coding-DNA position 950, C replaced by T.
Protein change: p.Thr317Ile; replaces threonine 317 with isoleucine.
Molecular consequence: missense variant.
Genome position (GRCh38, 1-based): chr13:32,332,428, C>T. VCF-style: chr13-32332428-C-T. GRCh37 (hg19) VCF-style: chr13-32906565-C-T.
Other names: short protein forms T317I.
Identifiers: ClinVar variation 462530 (VCV000462530.13), dbSNP rs1341473353, ClinGen allele CA387760849.